The following is an entry in ClinVar:

ClinVar aggregate classification (germline): Uncertain significance (1 of 4 stars; one submission).

Submission:

GeneDx
Classification: Uncertain significance. Last evaluated: 2025-11-06. Review status: criteria provided, single submitter. Criteria: GeneDx Variant Classification Process June 2021. Collection method: clinical testing. Allele origin: germline. Affected: yes.
Comment: Not observed at significant frequency in large population cohorts (gnomAD); In silico analysis supports that this missense variant has a deleterious effect on protein structure/function; Has not been previously published as pathogenic or benign to our knowledge

NM_005121.3(MED13):c.821T>C (p.Val274Ala)

Gene: MED13 (mediator complex subunit 13; minus strand). Cytogenetic location: 17q23.2.
Variant type: single nucleotide variant.
Coding change: c.821T>C on transcript NM_005121.3 (MANE Select); coding-DNA position 821, T replaced by C.
Protein change: p.Val274Ala; replaces valine 274 with alanine.
Molecular consequence: missense variant.
Genome position (GRCh38, 1-based): chr17:62,031,632, A>G on the plus strand (T>C on the coding strand, the complement: MED13 is on the minus strand). VCF-style: chr17-62031632-A-G. GRCh37 (hg19) VCF-style: chr17-60108993-A-G.
Other names: short protein forms V274A.
Identifiers: ClinVar variation 1695862 (VCV001695862.3), dbSNP rs2143678986, ClinGen allele CA400785947.